The following is an entry in ClinVar:

NM_000057.4(BLM):c.3961G>C (p.Val1321Leu)

Gene: BLM (BLM RecQ like helicase; plus strand). Cytogenetic location: 15q26.1.
Variant type: single nucleotide variant.
Coding change: c.3961G>C on transcript NM_000057.4 (MANE Select); coding-DNA position 3961, G replaced by C.
Protein change: p.Val1321Leu; replaces valine 1321 with leucine.
Molecular consequence: missense variant.
Genome position (GRCh38, 1-based): chr15:90,811,291, G>C. VCF-style: chr15-90811291-G-C. GRCh37 (hg19) VCF-style: chr15-91354521-G-C.
Other names: c.3961G>C, p.Val1321Leu (NM_001287246.2); c.3568G>C, p.Val1190Leu (NM_001287247.2); c.2836G>C, p.Val946Leu (NM_001287248.2); short protein forms V1190L, V1321L, V946L.
Identifiers: ClinVar variation 824434 (VCV000824434.9), dbSNP rs7167216, ClinGen allele CA393850893.
Genomic context (GRCh38, chr15:90,811,291, plus strand): 5'-CTGTCCAGCAGCAGAGGCCCCGGAAGAAGTGCCGCTGAGGAGCTCGACGAGGAAATACCC[G>C]TATCTTCCCACTACTTTGCAAGTAAAACCAGAAATGAAAGGAAGAGGAAAAAGATGCCAG-3'
Protein context (NP_000048.1, residues 1311-1331): AAEELDEEIP[Val1321Leu]SSHYFASKTR

ClinVar aggregate classification (germline): Uncertain significance. Review status: criteria provided, multiple submitters, no conflicts (2 of 4 stars). 3 submissions from 3 submitters: Uncertain significance (2). 1 of the submissions does not count toward it. Last evaluated 2025-04-14.

Conditions:
Hereditary cancer-predisposing syndrome. Also called: Neoplastic Syndromes, Hereditary; Tumor predisposition; Hereditary neoplastic syndrome; Hereditary Cancer Syndrome. Identifiers: Orphanet 140162, MedGen C0027672, MeSH D009386, MONDO:0015356.
Bloom syndrome (BLM). Also called: Bloom-Torre-Machacek syndrome. Identifiers: Orphanet 125, MedGen C0005859, MONDO:0008876, OMIM 210900.

gnomAD v4.1: 2 of 1,614,040 alleles (0.00012%); highest among the groups gnomAD compares: Non-Finnish European, 0.00017%; no homozygotes.

Submissions (3):

Labcorp Genetics (formerly Invitae), Labcorp
Classification: Uncertain significance for Bloom syndrome. Last evaluated: 2025-04-14. Review status: criteria provided, single submitter. Criteria: Invitae Variant Classification Sherloc (09022015). Collection method: clinical testing. Allele origin: germline.
Comment: This sequence change replaces valine, which is neutral and non-polar, with leucine, which is neutral and non-polar, at codon 1321 of the BLM protein (p.Val1321Leu). This variant is not present in population databases (gnomAD no frequency). This variant has not been reported in the literature in individuals affected with BLM-related conditions. ClinVar contains an entry for this variant (Variation ID: 824434). Invitae Evidence Modeling of protein sequence and biophysical properties (such as structural, functional, and spatial information, amino acid conservation, physicochemical variation, residue mobility, and thermodynamic stability) indicates that this missense variant is not expected to disrupt BLM protein function with a negative predictive value of 80%. In summary, the available evidence is currently insufficient to determine the role of this variant in disease. Therefore, it has been classified as a Variant of Uncertain Significance.

Ambry Genetics
Classification: Uncertain significance for Hereditary cancer-predisposing syndrome. Last evaluated: 2023-11-22. Review status: criteria provided, single submitter. Criteria: Ambry Variant Classification Scheme 2023. Collection method: clinical testing. Allele origin: germline.
Comment: The p.V1321L variant (also known as c.3961G>C), located in coding exon 20 of the BLM gene, results from a G to C substitution at nucleotide position 3961. The valine at codon 1321 is replaced by leucine, an amino acid with highly similar properties. This amino acid position is poorly conserved in available vertebrate species. In addition, this alteration is predicted to be tolerated by in silico analysis. Since supporting evidence is limited at this time, the clinical significance of this alteration remains unclear.

Natera, Inc.
Classification: Uncertain significance for Bloom syndrome. Last evaluated: 2020-02-29. Review status: no assertion criteria provided. Collection method: clinical testing. Allele origin: germline. Not counted in ClinVar's aggregate classification.